The following is an entry in ClinVar:

NM_001364905.1(LRBA):c.5755-10dup

Gene: LRBA (LPS responsive beige-like anchor protein; minus strand). Cytogenetic location: 4q31.3.
Variant type: Duplication.
Coding change: c.5755-10dup on transcript NM_001364905.1 (MANE Select); 10 bases into the intron before coding-DNA position 5755, one base duplicated (T; older notation c.5755-10dupT).
Molecular consequence: intron variant.
Genome position (GRCh38, 1-based): chr4:150,683,727, A duplicated on the plus strand (T on the coding strand, the reverse complement: LRBA is on the minus strand); the first of 9 consecutive A bases (chr4:150,683,727-150,683,735); duplicating any one gives the same sequence. VCF-style (leftmost placement, unchanged base first): chr4-150683726-G-GA. GRCh37 (hg19) VCF-style: chr4-151604878-G-GA.
Other names: c.5755-10dupT (NM_006726.4); c.5755-10dup (NM_001367550.1, NM_006726.5, NM_001199282.3 and 2 more transcripts).
Identifiers: ClinVar variation 1666780 (VCV001666780.11), dbSNP rs772027194, ClinGen allele CA3102354.
Genomic context (GRCh38, chr4:150,683,726, plus strand): 5'-CACACATCTTCTCATCTTCTCGTTTGTCTGCAGAATACTGGGCACACAGTGACTTGGAGA[G>GA]AAAAAAAAATAATACTATAAAAAATGTGAAAAAAACCTTTAAAATCCATTATGAAATAAT-3'

ClinVar aggregate classification (germline): Benign/Likely benign. Review status: criteria provided, multiple submitters, no conflicts (2 of 4 stars). 3 submissions from 3 submitters: Benign (1); Likely benign (1). 1 of the submissions does not count toward it. Last evaluated 2025-09-24.

Conditions:
LRBA-related disorder. Also called: LRBA-related condition.
Combined immunodeficiency due to LRBA deficiency. Also called: Common variable immunodeficiency 8, with autoimmunity. Identifiers: Orphanet 445018, MedGen C3553512, MONDO:0013863, OMIM 614700.

Submissions (3):

Labcorp Genetics (formerly Invitae), Labcorp
Classification: Benign for Combined immunodeficiency due to LRBA deficiency. Last evaluated: 2025-09-24. Review status: criteria provided, single submitter. Criteria: Invitae Variant Classification Sherloc (09022015). Collection method: clinical testing. Allele origin: germline.

Blueprint Genetics
Classification: Likely benign. Last evaluated: 2024-11-23. Review status: criteria provided, single submitter. Criteria: ACMG Guidelines, 2015. Collection method: clinical testing. Allele origin: germline.

PreventionGenetics, part of Exact Sciences
Classification: Likely benign for LRBA-related condition. Last evaluated: 2019-12-18. Review status: no assertion criteria provided. Collection method: clinical testing. Allele origin: germline. Not counted in ClinVar's aggregate classification.
Comment: This variant is classified as likely benign based on ACMG/AMP sequence variant interpretation guidelines (Richards et al. 2015 PMID: 25741868, with internal and published modifications).